The following is an entry in ClinVar:

ClinVar aggregate classification (germline): Likely pathogenic (1 of 4 stars; one submission).

Conditions:
Nemaline myopathy 2 (NEM2). Also called: Nemaline myopathy 2, autosomal recessive. Identifiers: MedGen C1850569, MONDO:0009725, OMIM 256030.

Submission:

Myriad Genetics, Inc.
Classification: Likely pathogenic for Nemaline myopathy 2. Last evaluated: 2022-05-18. Review status: criteria provided, single submitter. Criteria: Myriad Women's Health Autosomal Recessive and X-Linked Classification Criteria (2021). Collection method: clinical testing. Allele origin: unknown.
Comment: NM_001271208.1(NEB):c.23174_23177delAAAT(E7725Gfs*8) is expected to be pathogenic in the context of NEB-related nemaline myopathy. This variant is predicted to lead to an abnormal or absent protein product due to the creation of a premature termination codon in NEB, a gene where loss-of-function variants are known to be pathogenic. Please note: this variant was assessed in the context of healthy population screening.

NM_001164508.2(NEB):c.23069_23072del (p.Glu7690fs)

Genes: NEB (nebulin; minus strand), RIF1 (replication timing regulatory factor 1; plus strand). Cytogenetic location: 2q23.3.
Variant type: Deletion.
Coding change: c.23069_23072del on transcript NM_001164508.2 (MANE Select); coding-DNA positions 23069 to 23072, 4 bases deleted (AAAT; older notation c.23069_23072delAAAT).
Protein change: p.Glu7690fs; shifts the reading frame from glutamic acid 7690.
Molecular consequence: frameshift variant.
Genome position (GRCh38, 1-based): chr2:151,514,373-151,514,376, ATTT deleted on the plus strand (AAAT on the coding strand, the reverse complement: NEB is on the minus strand). VCF-style (leftmost placement, unchanged base first): chr2-151514372-CATTT-C. GRCh37 (hg19) VCF-style: chr2-152370886-CATTT-C.
Other names: c.23069_23072del, p.Glu7690fs (NM_001164507.2); c.23174_23177del, p.Glu7725fs (NM_001271208.2); c.17966_17969del, p.Glu5989fs (NM_004543.5); short protein forms E5989fs, E7690fs, E7725fs.
Identifiers: ClinVar variation 1726139 (VCV001726139.2), dbSNP rs2552079279, ClinGen allele CA2580063954.